The following is an entry in ClinVar:

NM_001083961.2(WDR62):c.744C>T (p.Gly248=)

Gene: WDR62 (WD repeat domain 62; plus strand). Cytogenetic location: 19q13.12.
Variant type: single nucleotide variant.
Coding change: c.744C>T on transcript NM_001083961.2 (MANE Select); coding-DNA position 744, C replaced by T.
Protein change: p.Gly248=; no amino-acid change (glycine 248 retained).
Molecular consequence: synonymous variant.
Genome position (GRCh38, 1-based): chr19:36,067,872, C>T. VCF-style: chr19-36067872-C-T. GRCh37 (hg19) VCF-style: chr19-36558774-C-T.
Other names: c.744C>T, p.Gly248= (NM_173636.5).
Identifiers: ClinVar variation 514101 (VCV000514101.11), dbSNP rs146898747, ClinGen allele CA9395373.
Genomic context (GRCh38, chr19:36,067,872, plus strand): 5'-CCCTCTGTGTCTCCAGGTGACGAGCACAGTGCCCCTTGTAGGGCGCTCGGGCATCCTGGG[C>T]GAGCTGCACAACAACATCTTCTGTGGTGTGGCCTGCGGTCGGGGCCGGATGGCGGGCAGT-3'
Protein context (NP_001077430.1, residues 238-258): VPLVGRSGIL[Gly248=]ELHNNIFCGV

ClinVar aggregate classification (germline): Benign/Likely benign. Review status: criteria provided, multiple submitters, no conflicts (2 of 4 stars). 3 submissions from 3 submitters: Benign (2); Likely benign (1). Last evaluated 2025-09-03.

Conditions:
Microcephaly 2, primary, autosomal recessive, with or without cortical malformations. Also called: MICROCEPHALY 2, PRIMARY, AUTOSOMAL RECESSIVE, WITH CORTICAL MALFORMATIONS; WDR62 Primary Microcephaly. Identifiers: Orphanet 2512, MedGen C1858535, MONDO:0011435, OMIM 604317.

Allele frequency attached by ClinVar (database versions not stated): gnomAD 0.00045; 1000 Genomes Project 30x 0.00078; 1000 Genomes Project 0.00080; TOPMed 0.00024.
gnomAD v4.1: 237 of 1,614,208 alleles (0.015%); highest among the groups gnomAD compares: East Asian, 0.4%; 1 homozygote.

Submissions (7):

Labcorp Genetics (formerly Invitae), Labcorp
Classification: Benign. Last evaluated: 2025-09-03. Review status: criteria provided, single submitter. Criteria: Invitae Variant Classification Sherloc (09022015). Collection method: clinical testing. Allele origin: germline.

Genome-Nilou Lab
Classification: Benign for Microcephaly 2, primary, autosomal recessive, with or without cortical malformations. Last evaluated: 2021-12-05. Review status: criteria provided, single submitter. Criteria: ACMG Guidelines, 2015. Collection method: clinical testing. Allele origin: germline. Affected: no.

GeneDx
Classification: Likely benign. Last evaluated: 2017-12-29. Review status: criteria provided, single submitter. Criteria: GeneDx Variant Classification (06012015). Collection method: clinical testing. Allele origin: germline. Affected: yes.
Comment: This variant is considered likely benign or benign based on one or more of the following criteria: it is a conservative change, it occurs at a poorly conserved position in the protein, it is predicted to be benign by multiple in silico algorithms, and/or has population frequency not consistent with disease.

Dr. Peter K. Rogan Lab, Western University
No classification provided (evidence only). Condition: Familial cancer of breast. Review status: no classification provided. Collection method: in vitro. Allele origin: not applicable. Functional consequence: retained intron. Not counted in ClinVar's aggregate classification.

Dr. Peter K. Rogan Lab, Western University
No classification provided (evidence only). Condition: Familial cancer of breast. Review status: no classification provided. Collection method: in vitro. Allele origin: not applicable. Functional consequence: retained intron. Not counted in ClinVar's aggregate classification.

Dr. Peter K. Rogan Lab, Western University
No classification provided (evidence only). Condition: Hepatocellular carcinoma. Review status: no classification provided. Collection method: in vitro. Allele origin: not applicable. Functional consequence: retained intron. Not counted in ClinVar's aggregate classification.

Dr. Peter K. Rogan Lab, Western University
No classification provided (evidence only). Condition: Gastric cancer. Review status: no classification provided. Collection method: in vitro. Allele origin: not applicable. Functional consequence: retained intron. Not counted in ClinVar's aggregate classification.